The following is an entry in ClinVar:

ClinVar aggregate classification (germline): Conflicting classifications of pathogenicity. Review status: criteria provided, conflicting classifications (1 of 4 stars). 3 submissions from 3 submitters: Uncertain significance (2); Likely benign (1). Last evaluated 2024-02-07.

Conditions:
Hereditary cancer-predisposing syndrome. Also called: Neoplastic Syndromes, Hereditary; Tumor predisposition; Hereditary Cancer Syndrome; Hereditary neoplastic syndrome. Identifiers: Orphanet 140162, MedGen C0027672, MeSH D009386, MONDO:0015356.
Hereditary breast ovarian cancer syndrome. Also called: Hereditary breast and ovarian cancer; Hereditary breast and/or ovarian cancer syndrome; BRCA1- and BRCA2-Associated Hereditary Breast and Ovarian Cancer; Hereditary breast and ovarian cancer syndrome (HBOC); Hereditary breast and ovarian cancer syndrome; Breast and ovarian cancer. Identifiers: Orphanet 145, MedGen C0677776, MeSH D061325, MONDO:0003582. Disease mechanism: loss of function.

Submissions (3):

Labcorp Genetics (formerly Invitae), Labcorp
Classification: Uncertain significance for Hereditary breast ovarian cancer syndrome. Last evaluated: 2024-02-07. Review status: criteria provided, single submitter. Criteria: Invitae Variant Classification Sherloc (09022015). Collection method: clinical testing. Allele origin: germline.
Comment: This sequence change replaces asparagine, which is neutral and polar, with serine, which is neutral and polar, at codon 830 of the BRCA2 protein (p.Asn830Ser). This variant is not present in population databases (gnomAD no frequency). This variant has not been reported in the literature in individuals affected with BRCA2-related conditions. ClinVar contains an entry for this variant (Variation ID: 186256). Advanced modeling of protein sequence and biophysical properties (such as structural, functional, and spatial information, amino acid conservation, physicochemical variation, residue mobility, and thermodynamic stability) performed at Invitae indicates that this missense variant is not expected to disrupt BRCA2 protein function with a negative predictive value of 95%. In summary, the available evidence is currently insufficient to determine the role of this variant in disease. Therefore, it has been classified as a Variant of Uncertain Significance.

University of Washington Department of Laboratory Medicine, University of Washington
Classification: Likely benign for Hereditary cancer-predisposing syndrome. Last evaluated: 2023-03-23. Review status: criteria provided, single submitter. Criteria: Dines et al. (Genet Med. 2020). Collection method: curation. Allele origin: germline.
Comment: Missense variant in a coldspot region where missense variants are very unlikely to be pathogenic (PMID:31911673).

BRCA2 exon 11 coldspot. Reclassification based on statistical prior probability.

Ambry Genetics
Classification: Uncertain significance for Hereditary cancer-predisposing syndrome. Last evaluated: 2014-08-29. Review status: criteria provided, single submitter. Criteria: Ambry Variant Classification Scheme 2023. Collection method: clinical testing. Allele origin: germline.
Comment: The p.N830S variant (also known as c.2489A>G), located in coding exon 10 of the BRCA2 gene, results from an A to G substitution at nucleotide position 2489. The asparagine at codon 830 is replaced by serine, an amino acid with highly similar properties. This variant was not reported in population based cohorts in the following databases: Database of Single Nucleotide Polymorphisms (dbSNP), NHLBI Exome Sequencing Project (ESP), and 1000 Genomes Project. In the ESP, this variant was not observed in 6500 samples (13000 alleles) with coverage at this position. To date, this alteration has been detected with an allele frequency of approximately 0.002% (greater than 64000 alleles tested) in our clinical cohort. This amino acid position is poorly conserved in available vertebrate species. In addition, this alteration is predicted to be tolerated by in silico analysis. Since supporting evidence is limited at this time, the clinical significance of p.N830S remains unclear.

NM_000059.4(BRCA2):c.2489A>G (p.Asn830Ser)

Gene: BRCA2 (BRCA2 DNA repair associated; plus strand). Cytogenetic location: 13q13.1.
Variant type: single nucleotide variant.
Coding change: c.2489A>G on transcript NM_000059.4 (MANE Select); coding-DNA position 2489, A replaced by G.
Protein change: p.Asn830Ser; replaces asparagine 830 with serine.
Molecular consequence: missense variant.
Genome position (GRCh38, 1-based): chr13:32,336,844, A>G. VCF-style: chr13-32336844-A-G. GRCh37 (hg19) VCF-style: chr13-32910981-A-G.
Other names: short protein forms N830S.
Identifiers: ClinVar variation 186256 (VCV000186256.9), dbSNP rs786202809, ClinGen allele CA015453.